The following is an entry in ClinVar:

NM_001374504.1(TMPRSS6):c.2372C>T (p.Thr791Ile)

Gene: TMPRSS6 (transmembrane serine protease 6; minus strand). Cytogenetic location: 22q12.3.
Variant type: single nucleotide variant.
Coding change: c.2372C>T on transcript NM_001374504.1 (MANE Select); coding-DNA position 2372, C replaced by T.
Protein change: p.Thr791Ile; replaces threonine 791 with isoleucine.
Molecular consequence: missense variant.
Genome position (GRCh38, 1-based): chr22:37,066,117, G>A on the plus strand (C>T on the coding strand, the complement: TMPRSS6 is on the minus strand). VCF-style: chr22-37066117-G-A. GRCh37 (hg19) VCF-style: chr22-37462157-G-A.
Other names: c.2438C>T, p.Thr813Ile (NM_001289000.2); c.2372C>T, p.Thr791Ile (NM_001289001.2, NM_153609.4); short protein forms T813I, T791I.
Identifiers: ClinVar variation 2049312 (VCV002049312.4), dbSNP rs2517711257, ClinGen allele CA411417117.

ClinVar aggregate classification (germline): Uncertain significance (1 of 4 stars; one submission).

Submission:

Labcorp Genetics (formerly Invitae), Labcorp
Classification: Uncertain significance. Last evaluated: 2021-12-19. Review status: criteria provided, single submitter. Criteria: Invitae Variant Classification Sherloc (09022015). Collection method: clinical testing. Allele origin: germline.
Comment: This sequence change replaces threonine, which is neutral and polar, with isoleucine, which is neutral and non-polar, at codon 800 of the TMPRSS6 protein (p.Thr800Ile). This variant is not present in population databases (gnomAD no frequency). This variant has not been reported in the literature in individuals affected with TMPRSS6-related conditions. Algorithms developed to predict the effect of missense changes on protein structure and function are either unavailable or do not agree on the potential impact of this missense change (SIFT: "Deleterious"; PolyPhen-2: "Probably Damaging"; Align-GVGD: "Class C0"). In summary, the available evidence is currently insufficient to determine the role of this variant in disease. Therefore, it has been classified as a Variant of Uncertain Significance.